The following is an entry in ClinVar:

NM_004393.6(DAG1):c.1226G>T (p.Gly409Val)

Gene: DAG1 (dystroglycan 1; plus strand). Cytogenetic location: 3p21.31.
Variant type: single nucleotide variant.
Coding change: c.1226G>T on transcript NM_004393.6 (MANE Select); coding-DNA position 1226, G replaced by T.
Protein change: p.Gly409Val; replaces glycine 409 with valine.
Molecular consequence: missense variant.
Genome position (GRCh38, 1-based): chr3:49,531,737, G>T. VCF-style: chr3-49531737-G-T. GRCh37 (hg19) VCF-style: chr3-49569170-G-T.
Other names: c.1226G>T, p.Gly409Val (NM_001165928.4, NM_001177634.3, NM_001177635.3 and 9 more transcripts); short protein forms G409V.
Identifiers: ClinVar variation 1992229 (VCV001992229.4), dbSNP rs979228751, ClinGen allele CA352794973.

ClinVar aggregate classification (germline): Uncertain significance (1 of 4 stars; one submission).

Conditions:
Autosomal recessive limb-girdle muscular dystrophy type 2P. Also called: Limb-Girdle Muscular Dystrophy Type 9C; MUSCULAR DYSTROPHY, LIMB-GIRDLE, TYPE 2P; MUSCULAR DYSTROPHY-DYSTROGLYCANOPATHY, LIMB-GIRDLE, DAG1-RELATED. Identifiers: Orphanet 280333, MedGen C4511963, MONDO:0013440, OMIM 613818.
Muscular dystrophy-dystroglycanopathy (congenital with brain and eye anomalies), type A9. Also called: WALKER-WARBURG SYNDROME OR MUSCLE-EYE BRAIN DISEASE, DAG1-RELATED; Muscular dystrophy-dystroglycanopathy (congenital with brain and eye anomalies), type a, 9. Identifiers: Orphanet 370997, Orphanet 899, MedGen C4225291, MONDO:0014683, OMIM 616538.

Submission:

Labcorp Genetics (formerly Invitae), Labcorp
Classification: Uncertain significance for Autosomal recessive limb-girdle muscular dystrophy type 2P; Muscular dystrophy-dystroglycanopathy (congenital with brain and eye anomalies), type A9. Last evaluated: 2022-03-30. Review status: criteria provided, single submitter. Criteria: Invitae Variant Classification Sherloc (09022015). Collection method: clinical testing. Allele origin: germline.
Comment: In summary, the available evidence is currently insufficient to determine the role of this variant in disease. Therefore, it has been classified as a Variant of Uncertain Significance. Algorithms developed to predict the effect of missense changes on protein structure and function (SIFT, PolyPhen-2, Align-GVGD) all suggest that this variant is likely to be tolerated. This variant has not been reported in the literature in individuals affected with DAG1-related conditions. This variant is not present in population databases (gnomAD no frequency). This sequence change replaces glycine, which is neutral and non-polar, with valine, which is neutral and non-polar, at codon 409 of the DAG1 protein (p.Gly409Val).